The following is an entry in ClinVar:

ClinVar aggregate classification (germline): Uncertain significance. Review status: criteria provided, multiple submitters, no conflicts (2 of 4 stars). 3 submissions from 3 submitters: Uncertain significance (3). Last evaluated 2025-03-18.

Allele frequency attached by ClinVar (database versions not stated): TOPMed below 0.00001; gnomAD 0.00001; gnomAD exomes 0.00001 and 0.00002; ExAC 0.00002.
gnomAD v4.1: 14 of 1,590,058 alleles (0.00088%); highest among the groups gnomAD compares: Middle Eastern, 0.022%; no homozygotes.

Submissions (3):

Labcorp Genetics (formerly Invitae), Labcorp
Classification: Uncertain significance. Last evaluated: 2025-03-18. Review status: criteria provided, single submitter. Criteria: Invitae Variant Classification Sherloc (09022015). Collection method: clinical testing. Allele origin: germline.
Comment: This sequence change replaces arginine, which is basic and polar, with glutamine, which is neutral and polar, at codon 1395 of the MYH14 protein (p.Arg1395Gln). This variant is present in population databases (rs773527189, gnomAD 0.01%). This variant has not been reported in the literature in individuals affected with MYH14-related conditions. ClinVar contains an entry for this variant (Variation ID: 439934). Invitae Evidence Modeling of protein sequence and biophysical properties (such as structural, functional, and spatial information, amino acid conservation, physicochemical variation, residue mobility, and thermodynamic stability) indicates that this missense variant is not expected to disrupt MYH14 protein function with a negative predictive value of 80%. In summary, the available evidence is currently insufficient to determine the role of this variant in disease. Therefore, it has been classified as a Variant of Uncertain Significance.

GeneDx
Classification: Uncertain significance. Last evaluated: 2024-03-06. Review status: criteria provided, single submitter. Criteria: GeneDx Variant Classification Process June 2021. Collection method: clinical testing. Allele origin: germline. Affected: yes.
Comment: In silico analysis supports that this missense variant does not alter protein structure/function; Has not been previously published as pathogenic or benign to our knowledge

ARUP Laboratories, Molecular Genetics and Genomics, ARUP Laboratories
Classification: Uncertain significance. Last evaluated: 2016-12-06. Review status: criteria provided, single submitter. Criteria: ARUP Molecular Germline Variant Investigation Process. Collection method: clinical testing. Allele origin: germline.

NM_001145809.2(MYH14):c.4307G>A (p.Arg1436Gln)

Gene: MYH14 (myosin heavy chain 14; plus strand). Cytogenetic location: 19q13.33.
Variant type: single nucleotide variant.
Coding change: c.4307G>A on transcript NM_001145809.2 (MANE Select); coding-DNA position 4307, G replaced by A.
Protein change: p.Arg1436Gln; replaces arginine 1436 with glutamine.
Molecular consequence: missense variant.
Genome position (GRCh38, 1-based): chr19:50,281,610, G>A. VCF-style: chr19-50281610-G-A. GRCh37 (hg19) VCF-style: chr19-50784867-G-A.
Other names: c.4208G>A, p.Arg1403Gln (NM_001077186.2); c.4184G>A, p.Arg1395Gln (NM_024729.4); c.4184G>A (NM_024729.3); short protein forms R1436Q, R1395Q, R1403Q.
Identifiers: ClinVar variation 439934 (VCV000439934.13), dbSNP rs773527189, ClinGen allele CA9593482.
Genomic context (GRCh38, chr19:50,281,610, plus strand): 5'-CTCATGGCCGTGACCACCAACCACCCTCTCTCTCCTCCCCTCAGCTTTCCGAGTGGCGGC[G>A]GCGCCAGGAGGAGGAGGCAGGGGCACTGGAGGCAGGGGAGGAGGCACGGCGCCGGGCAGC-3'
Protein context (NP_001139281.1, residues 1426-1446): TAQAQLSEWR[Arg1436Gln]RQEEEAGALE